The following is an entry in ClinVar:

NM_000252.3(MTM1):c.310G>T (p.Glu104Ter)

Gene: MTM1 (myotubularin 1; plus strand). Cytogenetic location: Xq28.
Variant type: single nucleotide variant.
Coding change: c.310G>T on transcript NM_000252.3 (MANE Select); coding-DNA position 310, G replaced by T.
Protein change: p.Glu104Ter; replaces glutamic acid 104 with a stop codon.
Molecular consequence: nonsense. On other transcripts: intron variant (1).
Genome position (GRCh38, 1-based): chrX:150,614,667, G>T. VCF-style: chrX-150614667-G-T. GRCh37 (hg19) VCF-style: chrX-149783140-G-T.
Other names: c.310G>T, p.Glu104Ter (NM_001376906.1, NM_001376908.1); c.232-4371G>T (NM_001376907.1); short protein forms E104*.
Identifiers: ClinVar variation 1360711 (VCV001360711.6), dbSNP rs2148456062, ClinGen allele CA415250089.

ClinVar aggregate classification (germline): Pathogenic (1 of 4 stars; one submission).

Conditions:
Severe X-linked myotubular myopathy (CNMX). Also called: Myotubular myopathy, X-linked; MYOTUBULAR MYOPATHY 1; X-linked centronuclear myopathy. Identifiers: Orphanet 596, MedGen C0410203, MONDO:0010683, OMIM 310400.

Submission:

Labcorp Genetics (formerly Invitae), Labcorp
Classification: Pathogenic for Severe X-linked myotubular myopathy. Last evaluated: 2022-08-16. Review status: criteria provided, single submitter. Criteria: Invitae Variant Classification Sherloc (09022015). Collection method: clinical testing. Allele origin: germline.
Comment: ClinVar contains an entry for this variant (Variation ID: 1360711). For these reasons, this variant has been classified as Pathogenic. This sequence change creates a premature translational stop signal (p.Glu104*) in the MTM1 gene. It is expected to result in an absent or disrupted protein product. Loss-of-function variants in MTM1 are known to be pathogenic (PMID: 9305655, 10063835). This variant is not present in population databases (gnomAD no frequency). This variant has not been reported in the literature in individuals affected with MTM1-related conditions.

Literature cited by the submitters: PubMed 9305655; PubMed 10063835.